The following is an entry in ClinVar:

NM_031844.3(HNRNPU):c.2166A>C (p.Gly722=)

Gene: HNRNPU (heterogeneous nuclear ribonucleoprotein U; minus strand). Cytogenetic location: 1q44.
Variant type: single nucleotide variant.
Coding change: c.2166A>C on transcript NM_031844.3 (MANE Select); coding-DNA position 2166, A replaced by C.
Protein change: p.Gly722=; no amino-acid change (glycine 722 retained).
Molecular consequence: synonymous variant.
Genome position (GRCh38, 1-based): chr1:244,855,905, T>G on the plus strand (A>C on the coding strand, the complement: HNRNPU is on the minus strand). VCF-style: chr1-244855905-T-G. GRCh37 (hg19) VCF-style: chr1-245019207-T-G.
Other names: c.2109A>C, p.Gly703= (NM_004501.3).
Identifiers: ClinVar variation 532561 (VCV000532561.37), dbSNP rs140234240, ClinGen allele CA1486310.
Genomic context (GRCh38, chr1:244,855,905, plus strand): 5'-ATAAAATTATCACTTGTTTCGATCCTGAACTAAATACAGAACACTCAAAATTAACTTGCC[T>G]CCTCCTCTGAAATTTCCACCACGCATATTGAATCCTCCACGTCCTCTATGGCCACCACCT-3'
Protein context (NP_114032.2, residues 712-732): FNMRGGNFRG[Gly722=]APGNRGGYNR

ClinVar aggregate classification (germline): Likely benign. Review status: criteria provided, multiple submitters, no conflicts (2 of 4 stars). 3 submissions from 3 submitters: Likely benign (3). Last evaluated 2026-01-05.

Conditions:
Developmental and epileptic encephalopathy, 54. Also called: Epileptic encephalopathy, early infantile, 54; HNRNPU-Related Neurodevelopmental Disorder. Identifiers: MedGen C4479319, MONDO:0033363, OMIM 617391.

Allele frequency attached by ClinVar (database versions not stated): TOPMed 0.00012; gnomAD exomes 0.00015; ExAC 0.00016; ESP Exome Variant Server 0.00023; gnomAD 0.00048.
gnomAD v4.1: 244 of 1,611,158 alleles (0.015%); highest among the groups gnomAD compares: Non-Finnish European, 0.017%; no homozygotes.

Submissions (8):

Labcorp Genetics (formerly Invitae), Labcorp
Classification: Likely benign for Developmental and epileptic encephalopathy, 54. Last evaluated: 2026-01-05. Review status: criteria provided, single submitter. Criteria: Invitae Variant Classification Sherloc (09022015). Collection method: clinical testing. Allele origin: germline.

Blueprint Genetics
Classification: Likely benign. Last evaluated: 2024-11-13. Review status: criteria provided, single submitter. Criteria: ACMG Guidelines, 2015. Collection method: clinical testing. Allele origin: germline.

CeGaT Center for Human Genetics Tuebingen
Classification: Likely benign. Last evaluated: 2024-09-01. Review status: criteria provided, single submitter. Criteria: CeGaT Center For Human Genetics Tuebingen Variant Classification Criteria Version 2. Collection method: clinical testing. Allele origin: germline. Affected: yes. Observed: 2 variant alleles.
Comment: HNRNPU: BP4, BS2

Dr. Peter K. Rogan Lab, Western University
No classification provided (evidence only). Condition: Familial cancer of breast. Review status: no classification provided. Collection method: in vitro. Allele origin: not applicable. Functional consequence: retained intron. Not counted in ClinVar's aggregate classification.

Dr. Peter K. Rogan Lab, Western University
No classification provided (evidence only). Condition: Familial cancer of breast. Review status: no classification provided. Collection method: in vitro. Allele origin: not applicable. Functional consequence: retained intron. Not counted in ClinVar's aggregate classification.

Dr. Peter K. Rogan Lab, Western University
No classification provided (evidence only). Condition: Gastric cancer. Review status: no classification provided. Collection method: in vitro. Allele origin: not applicable. Functional consequence: retained intron. Not counted in ClinVar's aggregate classification.

Dr. Peter K. Rogan Lab, Western University
No classification provided (evidence only). Condition: Gastric cancer. Review status: no classification provided. Collection method: in vitro. Allele origin: not applicable. Functional consequence: retained intron. Not counted in ClinVar's aggregate classification.

Dr. Peter K. Rogan Lab, Western University
No classification provided (evidence only). Condition: Lymphoma. Review status: no classification provided. Collection method: in vitro. Allele origin: not applicable. Functional consequence: skipped exon. Not counted in ClinVar's aggregate classification.